The following is an entry in ClinVar:

ClinVar aggregate classification (germline): Uncertain significance. Review status: reviewed by expert panel (3 of 4 stars). 2 submissions from 2 submitters: Uncertain significance (1). 1 of the submissions does not count toward it. Last evaluated 2024-06-10.

Conditions:
Mitochondrial disease. Also called: Mitochondrial disorder; Mitochondrial disorders. Identifiers: Orphanet 68380, MedGen C0751651, MeSH D028361, MONDO:0044970.
Epilepsy, mitochondrial. Identifiers: MedGen C4016624.

Submissions (2):

ClinGen Mitochondrial Disease Nuclear and Mitochondrial  Variant Curation Expert Panel, ClinGen
Classification: Uncertain significance for Mitochondrial disease. Last evaluated: 2024-06-10. Review status: reviewed by expert panel. Criteria: clingen mito disease acmg specifications v1-1. Collection method: curation. Allele origin: germline. Inheritance: Mitochondrial inheritance.
Comment: The m.616T>G variant in MT-TF has been reported in one individual with primary mitochondrial disease (PMID: 20142618). This individual had generalized tonic clonic seizures, continuous partial seizures, and myoclonus. Muscle biopsy showed many COX-deficient fibers and combined deficiency of mitochondrial respiratory chain complexes I, III, and IV. The exact heteroplasmy level was not provided but was described as “very high” in muscle and homoplasmic in blood. Maternal family members were not tested for the variant. This variant is absent in the Helix dataset and gnomAD v3.1.2, and there is one occurrence in the MITOMAP GenBank sequences (PM2_supporting). MitoTIP predicts the variant is likely pathogenic (95.6 percentile) and HmtVAR predicts the variant is neutral (score of 0.25). A variant at the same position, m.616T>C, was classified as likely pathogenic by this Expert Panel (PM5_supporting). In summary, this variant meets criteria to be classified as uncertain significance for primary mitochondrial disease inherited in a mitochondrial manner. This classification was approved by the NICHD/NINDS U24 ClinGen Mitochondrial Disease Variant Curation Expert Panel on June 10, 2024. Mitochondrial DNA-specific ACMG/AMP criteria applied (PMID: 32906214): PM2_supporting, PM5_supporting.

OMIM
Classification: Pathogenic for EPILEPSY, MITOCHONDRIAL. Last evaluated: 2010-02-09. Review status: no assertion criteria provided. Collection method: literature only. Allele origin: germline. Not counted in ClinVar's aggregate classification.

Literature cited by the submitters: PubMed 20142618 (cited by OMIM).

NC_012920.1(MT-TF):m.616T>G

Gene: MT-TF (mitochondrially encoded tRNA phenylalanine; plus strand).
Variant type: single nucleotide variant.
Genome position: chrM-616-T-G.
Other names: 616T-G.
Identifiers: ClinVar variation 9577 (VCV000009577.2), dbSNP rs387906420, ClinGen allele CA120553.
Genomic context (GRCh38, chrMT:616, plus strand): 5'-ACCCCAAAGACACCCCCCACAGTTTATGTAGCTTACCTCCTCAAAGCAATACACTGAAAA[T>G]GTTTAGACGGGCTCACATCACCCCATAAACAAATAGGTTTGGTCCTAGCCTTTCTATTAG-3'